The following is an entry in ClinVar:

ClinVar aggregate classification (germline): Conflicting classifications of pathogenicity. Review status: criteria provided, conflicting classifications (1 of 4 stars). 4 submissions from 4 submitters: Pathogenic (2); Uncertain significance (1). 1 of the submissions does not count toward it. Last evaluated 2025-07-28.

Conditions:
Mucopolysaccharidosis, MPS-III-C (MPS3C). Also called: MPS IIIC (Sanfilippo Syndrome Type C); MPS III C; MUCOPOLYSACCHARIDOSIS, TYPE IIIC; SANFILIPPO SYNDROME C; Mucopolysaccharidosis type IIIC (Sanfilippo C); mucopolysaccharidosis type 3C. Identifiers: Orphanet 581, Orphanet 79271, MedGen C0086649, MONDO:0009657, OMIM 252930.
Retinitis pigmentosa 73 (RP73). Identifiers: Orphanet 791, MedGen C4225287, MONDO:0014687, OMIM 616544.

Submissions (4):

Labcorp Genetics (formerly Invitae), Labcorp
Classification: Pathogenic for Retinitis pigmentosa 73; Mucopolysaccharidosis, MPS-III-C. Last evaluated: 2025-07-28. Review status: criteria provided, single submitter. Criteria: Invitae Variant Classification Sherloc (09022015). Collection method: clinical testing. Allele origin: germline.
Comment: This sequence change creates a premature translational stop signal (p.Phe595Argfs*4) in the HGSNAT gene. While this is not anticipated to result in nonsense mediated decay, it is expected to disrupt the last 41 amino acid(s) of the HGSNAT protein. This variant is present in population databases (no rsID available, gnomAD 0.002%). This premature translational stop signal has been observed in individual(s) with retinitis pigmentosa (internal data). In at least one individual the data is consistent with being in trans (on the opposite chromosome) from a pathogenic variant. ClinVar contains an entry for this variant (Variation ID: 557881). This variant disrupts a region of the HGSNAT protein in which other variant(s) (p.Ala615Thr) have been determined to be pathogenic (PMID: 17033958, 19479962, 19823584, 20583299, 25859010, 27608171, 28981474, 31228227, 32770643, 33576794, 34795310; internal data). This suggests that this is a clinically significant region of the protein, and that variants that disrupt it are likely to be disease-causing. For these reasons, this variant has been classified as Pathogenic.

Myriad Genetics, Inc.
Classification: Pathogenic for Mucopolysaccharidosis, MPS-III-C. Last evaluated: 2025-03-10. Review status: criteria provided, single submitter. Criteria: Myriad Autosomal Dominant, Autosomal Recessive and X-Linked Classification Criteria (2023). Collection method: clinical testing. Allele origin: unknown.
Comment: NM_152419.2(HGSNAT):c.1782_1815del34(F595Rfs*4) is a frameshift variant classified as pathogenic in the context of mucopolysaccharidosis type IIIC. F595Rfs*4 has not been observed in cases with relevant disease. Relevant functional assessments of this variant are not available in the literature. F595Rfs*4 has been observed in referenced population frequency databases. In summary, NM_152419.2(HGSNAT):c.1782_1815del34(F595Rfs*4) is a frameshift variant in a gene where loss of function is a known mechanism of disease and is predicted to disrupt protein function. Please note: this variant was assessed in the context of healthy population screening.

Blueprint Genetics
Classification: Uncertain significance. Last evaluated: 2022-08-23. Review status: criteria provided, single submitter. Criteria: ACMG Guidelines, 2015. Collection method: clinical testing. Allele origin: germline.

Counsyl
Classification: Uncertain significance for Mucopolysaccharidosis, MPS-III-C. Last evaluated: 2018-04-13. Review status: no assertion criteria provided. Collection method: clinical testing. Allele origin: unknown. Not counted in ClinVar's aggregate classification.

Literature cited by the submitters: PubMed 17033958 (cited by Labcorp Genetics (formerly Invitae), Labcorp); PubMed 19479962 (cited by Labcorp Genetics (formerly Invitae), Labcorp); PubMed 19823584 (cited by Labcorp Genetics (formerly Invitae), Labcorp); PubMed 20583299 (cited by Labcorp Genetics (formerly Invitae), Labcorp); PubMed 25859010 (cited by Labcorp Genetics (formerly Invitae), Labcorp); PubMed 27608171 (cited by Labcorp Genetics (formerly Invitae), Labcorp); PubMed 28981474 (cited by Labcorp Genetics (formerly Invitae), Labcorp); PubMed 31228227 (cited by Labcorp Genetics (formerly Invitae), Labcorp); PubMed 32770643 (cited by Labcorp Genetics (formerly Invitae), Labcorp); PubMed 33576794 (cited by Labcorp Genetics (formerly Invitae), Labcorp); PubMed 34795310 (cited by Labcorp Genetics (formerly Invitae), Labcorp).

NM_152419.3(HGSNAT):c.1782_1815del (p.Phe595fs)

Gene: HGSNAT (heparan-alpha-glucosaminide N-acetyltransferase; plus strand). Cytogenetic location: 8p11.21.
Variant type: Deletion.
Coding change: c.1782_1815del on transcript NM_152419.3 (MANE Select); coding-DNA positions 1782 to 1815, 34 bases deleted.
Protein change: p.Phe595fs; shifts the reading frame from phenylalanine 595.
Molecular consequence: frameshift variant.
Genome position (GRCh38, 1-based): chr8:43,199,443-43,199,476, 34 bases deleted; deleting any 34 consecutive bases within chr8:43,199,442-43,199,476 gives the same sequence; the c. name uses the placement nearest the transcript's 3' end. GRCh37 (hg19): chr8:43,054,586-43,054,619.
Other names: c.1869_1902del, p.Phe624fs (NM_001363227.2); c.1590_1623del, p.Phe531fs (NM_001363228.2); c.918_951del, p.Phe307fs (NM_001363229.2); short protein forms F307fs, F595fs, F531fs, F624fs.
Identifiers: ClinVar variation 557881 (VCV000557881.10), dbSNP rs1298170960, ClinGen allele CA460580574.